The following is an entry in ClinVar:

ClinVar aggregate classification (germline): Uncertain significance (1 of 4 stars; one submission).

Conditions:
Inborn genetic diseases. Identifiers: MedGen C0950123, MeSH D030342.

Submission:

Ambry Genetics
Classification: Uncertain significance for Inborn genetic diseases. Last evaluated: 2025-11-25. Review status: criteria provided, single submitter. Criteria: Ambry Variant Classification Scheme 2023. Collection method: clinical testing. Allele origin: germline.
Comment: The p.A781V variant (also known as c.2342C>T), located in coding exon 20 of the KDM1A gene, results from a C to T substitution at nucleotide position 2342. The alanine at codon 781 is replaced by valine, an amino acid with similar properties. This amino acid position is conserved. In addition, this alteration is predicted to be deleterious by in silico analysis. Based on the available evidence, the clinical significance of this variant remains unclear.

NM_001009999.3(KDM1A):c.2342C>T (p.Ala781Val)

Gene: KDM1A (lysine demethylase 1A; plus strand). Cytogenetic location: 1p36.12.
Variant type: single nucleotide variant.
Coding change: c.2342C>T on transcript NM_001009999.3 (MANE Select); coding-DNA position 2342, C replaced by T.
Protein change: p.Ala781Val; replaces alanine 781 with valine.
Molecular consequence: missense variant.
Genome position (GRCh38, 1-based): chr1:23,082,263, C>T. VCF-style: chr1-23082263-C-T. GRCh37 (hg19) VCF-style: chr1-23408756-C-T.
Other names: c.2288C>T, p.Ala763Val (NM_001363654.2); c.2348C>T, p.Ala783Val (NM_001410762.1); c.2270C>T, p.Ala757Val (NM_001410763.1, NM_015013.4); short protein forms A781V, A757V, A783V, A763V.
Identifiers: ClinVar variation 4622725 (VCV004622725.1).